The following is an entry in ClinVar:

NM_001165963.4(SCN1A):c.3253G>T (p.Gly1085Cys)

Genes: SCN1A (sodium voltage-gated channel alpha subunit 1; minus strand), LOC102724058 (uncharacterized LOC102724058; plus strand). Cytogenetic location: 2q24.3.
Variant type: single nucleotide variant.
Coding change: c.3253G>T on transcript NM_001165963.4 (MANE Select); coding-DNA position 3253, G replaced by T.
Protein change: p.Gly1085Cys; replaces glycine 1085 with cysteine.
Molecular consequence: missense variant. On other transcripts: non-coding transcript variant (2).
Genome position (GRCh38, 1-based): chr2:166,036,224, C>A on the plus strand (G>T on the coding strand, the complement: SCN1A is on the minus strand). VCF-style: chr2-166036224-C-A. GRCh37 (hg19) VCF-style: chr2-166892734-C-A.
Other names: c.3169G>T, p.Gly1057Cys (NM_001165964.3, NM_001353957.2, NM_001353958.2); c.3253G>T, p.Gly1085Cys (NM_001202435.3, NM_001353948.2); c.3220G>T, p.Gly1074Cys (NM_001353949.2, NM_001353950.2, NM_001353951.2 and 2 more transcripts); c.3217G>T, p.Gly1073Cys (NM_001353954.2, NM_001353955.2); c.3166G>T, p.Gly1056Cys (NM_001353960.2); c.811G>T, p.Gly271Cys (NM_001353961.2); short protein forms G1056C, G1057C, G1073C, G1074C, G1085C, G271C.
Identifiers: ClinVar variation 3342182 (VCV003342182.16).

ClinVar aggregate classification (germline): Uncertain significance (1 of 4 stars; one submission).

Submission:

CeGaT Center for Human Genetics Tuebingen
Classification: Uncertain significance. Last evaluated: 2024-08-01. Review status: criteria provided, single submitter. Criteria: CeGaT Center For Human Genetics Tuebingen Variant Classification Criteria Version 2. Collection method: clinical testing. Allele origin: germline. Affected: yes. Observed: 1 variant allele.
Comment: SCN1A: PM2